The following is an entry in ClinVar:

ClinVar aggregate classification (germline): Uncertain significance (1 of 4 stars; one submission).

Allele frequency attached by ClinVar (database versions not stated): TOPMed below 0.00001; gnomAD exomes below 0.00001.
gnomAD v4.1: 1 of 1,599,658 alleles (0.000063%); highest among the groups gnomAD compares: Non-Finnish European, 0.000085%; no homozygotes.

Submission:

Labcorp Genetics (formerly Invitae), Labcorp
Classification: Uncertain significance. Last evaluated: 2025-03-10. Review status: criteria provided, single submitter. Criteria: Invitae Variant Classification Sherloc (09022015). Collection method: clinical testing. Allele origin: germline.
Comment: This sequence change replaces alanine, which is neutral and non-polar, with threonine, which is neutral and polar, at codon 1472 of the CHD4 protein (p.Ala1472Thr). This variant is not present in population databases (gnomAD no frequency). This variant has not been reported in the literature in individuals affected with CHD4-related conditions. ClinVar contains an entry for this variant (Variation ID: 3003426). Invitae Evidence Modeling of protein sequence and biophysical properties (such as structural, functional, and spatial information, amino acid conservation, physicochemical variation, residue mobility, and thermodynamic stability) indicates that this missense variant is not expected to disrupt CHD4 protein function with a negative predictive value of 80%. In summary, the available evidence is currently insufficient to determine the role of this variant in disease. Therefore, it has been classified as a Variant of Uncertain Significance.

NM_001273.5(CHD4):c.4414G>A (p.Ala1472Thr)

Genes: CHD4 (chromodomain helicase DNA binding protein 4; minus strand), CHD4-AS1 (CHD4 antisense RNA 1; plus strand). Cytogenetic location: 12p13.31.
Variant type: single nucleotide variant.
Coding change: c.4414G>A on transcript NM_001273.5 (MANE Select); coding-DNA position 4414, G replaced by A.
Protein change: p.Ala1472Thr; replaces alanine 1472 with threonine.
Molecular consequence: missense variant.
Genome position (GRCh38, 1-based): chr12:6,582,238, C>T on the plus strand (G>A on the coding strand, the complement: CHD4 is on the minus strand). VCF-style: chr12-6582238-C-T. GRCh37 (hg19) VCF-style: chr12-6691404-C-T.
Other names: c.4393G>A, p.Ala1465Thr (NM_001297553.2); c.4375G>A, p.Ala1459Thr (NM_001363606.2); short protein forms A1465T, A1459T, A1472T.
Identifiers: ClinVar variation 3003426 (VCV003003426.3), dbSNP rs1948206809, ClinGen allele CA383572633.